The following is an entry in ClinVar:

ClinVar aggregate classification (germline): Likely pathogenic (1 of 4 stars; one submission).

Conditions:
Tuberous sclerosis 2 (TSC2). Identifiers: Orphanet 805, MedGen C1860707, MONDO:0013199, OMIM 613254.

Submission:

Human Genome Sequencing Center Clinical Lab, Baylor College of Medicine
Classification: Likely pathogenic for Tuberous sclerosis type 2. Last evaluated: 2018-10-08. Review status: criteria provided, single submitter. Criteria: ACMG Guidelines, 2015. Collection method: clinical testing. Allele origin: germline.
Comment: The c.1866_1870dupGGCCG (p.Asp624Glyfs*76) variant in the TSC2 gene is predicted to introduce a premature translation termination codon, which is predicted to result in nonsense-mediated mRNA decay. This variant is absent from large databases of genetic variation in the general population. Therefore, the c.1866_1870dupGGCCG (p.Asp624Glyfs*76) variant in the TSC2 gene is classified as likely pathogenic. It is recommended that the zygosity (heterozygous vs. mosaic) of this change be confirmed by Sanger sequencing as NGS variant calling may lead to skewed allele fractions for an indel of this size.

NM_000548.5(TSC2):c.1866_1870dup (p.Asp624fs)

Gene: TSC2 (TSC complex subunit 2; plus strand). Cytogenetic location: 16p13.3.
Variant type: Duplication.
Coding change: c.1866_1870dup on transcript NM_000548.5 (MANE Select); coding-DNA positions 1866 to 1870, 5 bases duplicated (GGCCG; older notation c.1866_1870dupGGCCG).
Protein change: p.Asp624fs; shifts the reading frame from aspartic acid 624.
Molecular consequence: frameshift variant.
Genome position (GRCh38, 1-based): chr16:2,071,536-2,071,540, GGCCG duplicated; duplicating any 5 consecutive bases within chr16:2,071,534-2,071,540 gives the same sequence; the c. name uses the placement nearest the transcript's 3' end. VCF-style (leftmost placement, unchanged base first): chr16-2071533-G-GCGGGC. GRCh37 (hg19) VCF-style: chr16-2121534-G-GCGGGC.
Other names: c.1866_1870dup, p.Asp624fs (NM_001077183.3, NM_001114382.3, NM_001363528.2 and 3 more transcripts); c.1755_1759dup, p.Asp587fs (NM_001318827.2); c.1719_1723dup, p.Asp575fs (NM_001318829.2); c.1266_1270dup, p.Asp424fs (NM_001318831.2); c.1899_1903dup, p.Asp635fs (NM_001318832.2); short protein forms D424fs, D575fs, D587fs, D624fs, D635fs.
Identifiers: ClinVar variation 979077 (VCV000979077.1), dbSNP rs2088388374, ClinGen allele CA1139664306.